The following is an entry in ClinVar:

NM_007194.4(CHEK2):c.592+45C>G

Gene: CHEK2 (checkpoint kinase 2; minus strand). Cytogenetic location: 22q12.1.
Variant type: single nucleotide variant.
Coding change: c.592+45C>G on transcript NM_007194.4 (MANE Select); 45 bases into the intron after coding-DNA position 592, C replaced by G.
Molecular consequence: intron variant.
Genome position (GRCh38, 1-based): chr22:28,724,932, G>C on the plus strand (C>G on the coding strand, the complement: CHEK2 is on the minus strand). VCF-style: chr22-28724932-G-C. GRCh37 (hg19) VCF-style: chr22-29120920-G-C.
Other names: c.-72+45C>G (NM_001437942.1); c.445-9C>G (NM_001349956.3); c.592+45C>G (NM_145862.3); c.-186+45C>G (NM_001257387.3); c.685+45C>G (NM_001438295.1, NM_001438293.1); c.721+45C>G (NM_001438294.1, NM_001005735.3).
Identifiers: ClinVar variation 4987274 (VCV004987274.1).

ClinVar aggregate classification (germline): Likely benign (1 of 4 stars; one submission).

Conditions:
CHEK2-related disorder.

gnomAD v4.1: 1 of 1,599,714 alleles (0.000063%); highest among the groups gnomAD compares: Non-Finnish European, 0.000086%; no homozygotes.

Submission:

PreventionGenetics, part of Exact Sciences
Classification: Likely benign for CHEK2-related condition. Last evaluated: 2024-12-18. Review status: criteria provided, single submitter. Criteria: ACMG Guidelines, 2015. Collection method: clinical testing. Allele origin: germline.
Comment: This variant is classified as likely benign based on ACMG/AMP sequence variant interpretation guidelines (Richards et al. 2015 PMID: 25741868, with internal and published modifications).